The following is an entry in ClinVar:

NM_015311.3(OBSL1):c.3172G>C (p.Glu1058Gln)

Gene: OBSL1 (obscurin like cytoskeletal adaptor 1; minus strand). Cytogenetic location: 2q35.
Variant type: single nucleotide variant.
Coding change: c.3172G>C on transcript NM_015311.3 (MANE Select); coding-DNA position 3172, G replaced by C.
Protein change: p.Glu1058Gln; replaces glutamic acid 1058 with glutamine.
Molecular consequence: missense variant.
Genome position (GRCh38, 1-based): chr2:219,559,279, C>G on the plus strand (G>C on the coding strand, the complement: OBSL1 is on the minus strand). VCF-style: chr2-219559279-C-G. GRCh37 (hg19) VCF-style: chr2-220424001-C-G.
Other names: c.3172G>C, p.Glu1058Gln (NM_001173431.2); short protein forms E1058Q.
Identifiers: ClinVar variation 1402388 (VCV001402388.7), dbSNP rs759912848, ClinGen allele CA350738305.

ClinVar aggregate classification (germline): Uncertain significance (1 of 4 stars; one submission).

gnomAD v4.1: 2 of 1,613,558 alleles (0.00012%); highest among the groups gnomAD compares: African/African-American, 0.0027%; no homozygotes.

Submission:

Labcorp Genetics (formerly Invitae), Labcorp
Classification: Uncertain significance. Last evaluated: 2024-11-05. Review status: criteria provided, single submitter. Criteria: Invitae Variant Classification Sherloc (09022015). Collection method: clinical testing. Allele origin: germline.
Comment: This sequence change replaces glutamic acid, which is acidic and polar, with glutamine, which is neutral and polar, at codon 1058 of the OBSL1 protein (p.Glu1058Gln). This variant is not present in population databases (gnomAD no frequency). This variant has not been reported in the literature in individuals affected with OBSL1-related conditions. ClinVar contains an entry for this variant (Variation ID: 1402388). An algorithm developed to predict the effect of missense changes on protein structure and function (PolyPhen-2) suggests that this variant is likely to be disruptive. In summary, the available evidence is currently insufficient to determine the role of this variant in disease. Therefore, it has been classified as a Variant of Uncertain Significance.